The following is an entry in ClinVar:

NM_007327.4(GRIN1):c.1113+1G>A

Gene: GRIN1 (glutamate ionotropic receptor NMDA type subunit 1; plus strand). Cytogenetic location: 9q34.3.
Variant type: single nucleotide variant.
Coding change: c.1113+1G>A on transcript NM_007327.4 (MANE Select); the canonical splice donor site of the intron after coding-DNA position 1113, G replaced by A.
Molecular consequence: splice donor variant.
Genome position (GRCh38, 1-based): chr9:137,158,524, G>A. VCF-style: chr9-137158524-G-A. GRCh37 (hg19) VCF-style: chr9-140052976-G-A.
Other names: c.1176+1G>A (NM_001437330.1, NM_001185090.2, NM_001437331.1 and 1 more transcripts); c.1113+1G>A (NM_021569.4, NM_000832.7).
Identifiers: ClinVar variation 4728235 (VCV004728235.1).

ClinVar aggregate classification (germline): Likely pathogenic (1 of 4 stars; one submission).

Conditions:
Neurodevelopmental disorder with or without hyperkinetic movements and seizures, autosomal dominant. Also called: Intellectual disability, autosomal dominant 8. Identifiers: MedGen C3280282, MONDO:0013655, OMIM 614254.

gnomAD v4.1: 1 of 1,611,528 alleles (0.000062%); highest among the groups gnomAD compares: Non-Finnish European, 0.000085%; no homozygotes.

Submission:

Labcorp Genetics (formerly Invitae), Labcorp
Classification: Likely pathogenic for Neurodevelopmental disorder with or without hyperkinetic movements and seizures, autosomal dominant. Last evaluated: 2025-10-01. Review status: criteria provided, single submitter. Criteria: Invitae Variant Classification Sherloc (09022015). Collection method: clinical testing. Allele origin: germline.
Comment: This sequence change affects a donor splice site in intron 7 of the GRIN1 gene. It is expected to disrupt RNA splicing. Variants that disrupt the donor or acceptor splice site typically lead to a loss of protein function (PMID: 16199547), and loss-of-function variants in GRIN1 are known to be pathogenic (PMID: 27164704, 35393335). This variant is not present in population databases (gnomAD no frequency). This variant has not been reported in the literature in individuals affected with GRIN1-related conditions. Algorithms developed to predict the effect of sequence changes on RNA splicing suggest that this variant may disrupt the consensus splice site. In summary, the currently available evidence indicates that the variant is pathogenic, but additional data are needed to prove that conclusively. Therefore, this variant has been classified as Likely Pathogenic.

Literature cited by the submitters: PubMed 16199547; PubMed 27164704; PubMed 35393335.